The following is an entry in ClinVar:

NM_000552.5(VWF):c.5317G>A (p.Ala1773Thr)

Gene: VWF (von Willebrand factor; minus strand). Cytogenetic location: 12p13.31.
Variant type: single nucleotide variant.
Coding change: c.5317G>A on transcript NM_000552.5 (MANE Select); coding-DNA position 5317, G replaced by A.
Protein change: p.Ala1773Thr; replaces alanine 1773 with threonine.
Molecular consequence: missense variant.
Genome position (GRCh38, 1-based): chr12:6,016,227, C>T on the plus strand (G>A on the coding strand, the complement: VWF is on the minus strand). VCF-style: chr12-6016227-C-T. GRCh37 (hg19) VCF-style: chr12-6125393-C-T.
Other names: short protein forms A1773T.
Identifiers: ClinVar variation 2429680 (VCV002429680.1), dbSNP rs2497505771, ClinGen allele CA383495764.
Genomic context (GRCh38, chr12:6,016,227, plus strand): 5'-AGGCTCCCGGCCTGGCACCATGCATTTCTGAAGTCAAGTATCGCACAGCAAAGCCCAAGG[C>T]ATCCCCTGAGGATGGAGAACAGATCACGCCAAGTCAGTACTGACTGCGGCTCGACACCCT-3'
Protein context (NP_000543.3, residues 1763-1783): REGGPSQIGD[Ala1773Thr]LGFAVRYLTS

ClinVar aggregate classification (germline): Uncertain significance (1 of 4 stars; one submission).

Allele frequency attached by ClinVar (database versions not stated): gnomAD exomes 0.00001.
gnomAD v4.1: 12 of 1,614,202 alleles (0.00074%); highest among the groups gnomAD compares: Non-Finnish European, 0.001%; no homozygotes.

Submission:

GeneDx
Classification: Uncertain significance. Last evaluated: 2022-08-12. Review status: criteria provided, single submitter. Criteria: GeneDx Variant Classification Process June 2021. Collection method: clinical testing. Allele origin: germline. Affected: yes.
Comment: Not observed at significant frequency in large population cohorts (gnomAD); In silico analysis supports that this missense variant does not alter protein structure/function; Has not been previously published as pathogenic or benign to our knowledge